The following is an entry in ClinVar:

ClinVar aggregate classification (germline): Uncertain significance (1 of 4 stars; one submission).

Allele frequency attached by ClinVar (database versions not stated): gnomAD exomes below 0.00001 and 0.00002; ExAC 0.00002; TOPMed 0.00007; gnomAD 0.00010 and 0.00011; ESP Exome Variant Server 0.00015.

Submission:

Labcorp Genetics (formerly Invitae), Labcorp
Classification: Uncertain significance. Last evaluated: 2024-10-29. Review status: criteria provided, single submitter. Criteria: Invitae Variant Classification Sherloc (09022015). Collection method: clinical testing. Allele origin: germline.
Comment: This sequence change replaces serine, which is neutral and polar, with threonine, which is neutral and polar, at codon 22 of the IRF9 protein (p.Ser22Thr). This variant is present in population databases (rs374715921, gnomAD 0.04%). This variant has not been reported in the literature in individuals affected with IRF9-related conditions. ClinVar contains an entry for this variant (Variation ID: 1488096). An algorithm developed to predict the effect of missense changes on protein structure and function (PolyPhen-2) suggests that this variant is likely to be disruptive. In summary, the available evidence is currently insufficient to determine the role of this variant in disease. Therefore, it has been classified as a Variant of Uncertain Significance.

NM_006084.5(IRF9):c.65G>C (p.Ser22Thr)

Gene: IRF9 (interferon regulatory factor 9; plus strand). Cytogenetic location: 14q12.
Variant type: single nucleotide variant.
Coding change: c.65G>C on transcript NM_006084.5 (MANE Select); coding-DNA position 65, G replaced by C.
Protein change: p.Ser22Thr; replaces serine 22 with threonine.
Molecular consequence: missense variant.
Genome position (GRCh38, 1-based): chr14:24,162,209, G>C. VCF-style: chr14-24162209-G-C. GRCh37 (hg19) VCF-style: chr14-24631418-G-C.
Other names: c.65G>C, p.Ser22Thr (NM_001385400.1, NM_001385401.1, NM_001385402.1); short protein forms S22T.
Identifiers: ClinVar variation 1488096 (VCV001488096.6), dbSNP rs374715921, ClinGen allele CA7126336.
Genomic context (GRCh38, chr14:24,162,209, plus strand): 5'-CATCAGGCAGGGCACGCTGCACCCGAAAACTCCGGAACTGGGTGGTGGAGCAAGTGGAGA[G>C]TGGGCAGTTTCCCGGAGTGTGCTGGGATGATACAGCTAAGACCATGTTCCGGATTCCCTG-3'
Protein context (NP_006075.3, residues 12-32): LRNWVVEQVE[Ser22Thr]GQFPGVCWDD